The following is an entry in ClinVar:

ClinVar aggregate classification (germline): Uncertain significance (1 of 4 stars; one submission).

Submission:

GeneDx
Classification: Uncertain significance. Last evaluated: 2025-03-24. Review status: criteria provided, single submitter. Criteria: GeneDx Variant Classification Process June 2021. Collection method: clinical testing. Allele origin: germline. Affected: yes.
Comment: Not observed at significant frequency in large population cohorts (gnomAD); In silico analysis supports a deleterious effect on splicing; Has not been previously published as pathogenic or benign to our knowledge

NM_001367721.1(CASK):c.708+3A>C

Gene: CASK (calcium/calmodulin dependent serine protein kinase; minus strand). Cytogenetic location: Xp11.4.
Variant type: single nucleotide variant.
Coding change: c.708+3A>C on transcript NM_001367721.1 (MANE Select); 3 bases into the intron after coding-DNA position 708, A replaced by C.
Molecular consequence: intron variant.
Genome position (GRCh38, 1-based): chrX:41,665,274, T>G on the plus strand (A>C on the coding strand, the complement: CASK is on the minus strand). VCF-style: chrX-41665274-T-G. GRCh37 (hg19) VCF-style: chrX-41524527-T-G.
Other names: c.708+3A>C (NM_001126055.3, NM_001410745.1, NM_001126054.3 and 1 more transcripts).
Identifiers: ClinVar variation 4088117 (VCV004088117.1).
Genomic context (GRCh38, chrX:41,665,274, plus strand): 5'-AAAAAAACATTTTTCAGGATAAATTAATCTCAATGGAAAAAGAAAATGTTCATGATGCAT[T>G]ACCTTATATTTTCCTTTAATAATGCCTTCAAACAATCTTTCCTTGGTTCCGTAAAAAGGC-3'